The following is an entry in ClinVar:

NM_006096.4(NDRG1):c.456C>G (p.Asn152Lys)

Gene: NDRG1 (N-myc downstream regulated 1; minus strand). Cytogenetic location: 8q24.22.
Variant type: single nucleotide variant.
Coding change: c.456C>G on transcript NM_006096.4 (MANE Select); coding-DNA position 456, C replaced by G.
Protein change: p.Asn152Lys; replaces asparagine 152 with lysine.
Molecular consequence: missense variant.
Genome position (GRCh38, 1-based): chr8:133,256,858, G>C on the plus strand (C>G on the coding strand, the complement: NDRG1 is on the minus strand). VCF-style: chr8-133256858-G-C. GRCh37 (hg19) VCF-style: chr8-134269101-G-C.
Other names: c.456C>G, p.Asn152Lys (NM_001135242.2, NM_001374844.1, NM_001374845.1 and 1 more transcripts); c.258C>G, p.Asn86Lys (NM_001258432.2, NM_001374847.1); c.213C>G, p.Asn71Lys (NM_001258433.2); short protein forms N152K, N71K, N86K.
Identifiers: ClinVar variation 850754 (VCV000850754.4), dbSNP rs760921567, ClinGen allele CA4886736.

ClinVar aggregate classification (germline): Uncertain significance. Review status: criteria provided, single submitter (1 of 4 stars). 2 submissions from 2 submitters: Uncertain significance (1). 1 of the submissions does not count toward it. Last evaluated 2024-01-15.

Conditions:
Charcot-Marie-Tooth disease type 4D. Also called: CHARCOT-MARIE-TOOTH DISEASE, DEMYELINATING, AUTOSOMAL RECESSIVE, TYPE 4D; CHARCOT-MARIE-TOOTH DISEASE, DEMYELINATING, TYPE 4D; Charcot-Marie-Tooth Neuropathy Type 4D; NEUROPATHY, HEREDITARY MOTOR AND SENSORY, LOM TYPE. Identifiers: Orphanet 99950, MedGen C1832334, MONDO:0011085, OMIM 601455.
Charcot-Marie-Tooth disease type 4. Also called: Charcot-Marie-Tooth disease, type IV; Charcot-Marie-Tooth, Type 4. Identifiers: Orphanet 64749, MedGen C4082197, MONDO:0018995.

Allele frequency attached by ClinVar (database versions not stated): gnomAD exomes below 0.00001; TOPMed below 0.00001; ExAC 0.00001.
gnomAD v4.1: 4 of 1,614,030 alleles (0.00025%); highest among the groups gnomAD compares: Admixed American, 0.005%; no homozygotes.

Submissions (2):

Labcorp Genetics (formerly Invitae), Labcorp
Classification: Uncertain significance for Charcot-Marie-Tooth disease type 4. Last evaluated: 2024-01-15. Review status: criteria provided, single submitter. Criteria: Invitae Variant Classification Sherloc (09022015). Collection method: clinical testing. Allele origin: germline.
Comment: This sequence change replaces asparagine, which is neutral and polar, with lysine, which is basic and polar, at codon 152 of the NDRG1 protein (p.Asn152Lys). This variant is present in population databases (rs760921567, gnomAD 0.003%). This variant has not been reported in the literature in individuals affected with NDRG1-related conditions. ClinVar contains an entry for this variant (Variation ID: 850754). Advanced modeling of protein sequence and biophysical properties (such as structural, functional, and spatial information, amino acid conservation, physicochemical variation, residue mobility, and thermodynamic stability) performed at Invitae indicates that this missense variant is not expected to disrupt NDRG1 protein function with a negative predictive value of 80%. In summary, the available evidence is currently insufficient to determine the role of this variant in disease. Therefore, it has been classified as a Variant of Uncertain Significance.

Natera, Inc.
Classification: Uncertain significance for Charcot-Marie-Tooth disease type 4D. Last evaluated: 2020-02-25. Review status: no assertion criteria provided. Collection method: clinical testing. Allele origin: germline. Not counted in ClinVar's aggregate classification.